The following is an entry in ClinVar:

ClinVar aggregate classification (germline): Conflicting classifications of pathogenicity. Review status: criteria provided, conflicting classifications (1 of 4 stars). 3 submissions from 3 submitters: Uncertain significance (1); Likely benign (2). Last evaluated 2026-06-01.

Conditions:
CLCC1-related condition.

Allele frequency attached by ClinVar (database versions not stated): gnomAD exomes 0.00008 and 0.00024; ExAC 0.00032; gnomAD 0.00081 and 0.00083; TOPMed 0.00095; ESP Exome Variant Server 0.00108; 1000 Genomes Project 0.00140; 1000 Genomes Project 30x 0.00141.

Submissions (3):

PreventionGenetics, part of Exact Sciences
Classification: Likely benign for CLCC1-related condition. Last evaluated: 2026-06-01. Review status: criteria provided, single submitter. Criteria: ACMG Guidelines, 2015. Collection method: clinical testing. Allele origin: germline.
Comment: This variant is classified as likely benign based on ACMG/AMP sequence variant interpretation guidelines (Richards et al. 2015 PMID: 25741868, with internal and published modifications).

Labcorp Genetics (formerly Invitae), Labcorp
Classification: Likely benign. Last evaluated: 2026-01-18. Review status: criteria provided, single submitter. Criteria: Invitae Variant Classification Sherloc (09022015). Collection method: clinical testing. Allele origin: germline.

Ambry Genetics
Classification: Uncertain significance. Last evaluated: 2025-12-04. Review status: criteria provided, single submitter. Criteria: Ambry Variant Classification Scheme 2023. Collection method: clinical testing. Allele origin: germline.

NM_001377458.1(CLCC1):c.643C>T (p.Arg215Cys)

Gene: CLCC1 (chloride channel CLIC like 1; minus strand). Cytogenetic location: 1p13.3.
Variant type: single nucleotide variant.
Coding change: c.643C>T on transcript NM_001377458.1 (MANE Select); coding-DNA position 643, C replaced by T.
Protein change: p.Arg215Cys; replaces arginine 215 with cysteine.
Molecular consequence: missense variant. On other transcripts: non-coding transcript variant (1), intron variant (2).
Genome position (GRCh38, 1-based): chr1:108,943,534, G>A on the plus strand (C>T on the coding strand, the complement: CLCC1 is on the minus strand). VCF-style: chr1-108943534-G-A. GRCh37 (hg19) VCF-style: chr1-109486156-G-A.
Other names: c.643C>T, p.Arg215Cys (NM_001048210.3, NM_001377459.1, NM_001377460.1 and 8 more transcripts); c.643C>T (NM_001048210.2, NM_001048210.1); c.541C>T, p.Arg181Cys (NM_001377469.1); c.352C>T, p.Arg118Cys (NM_001377470.1); c.493C>T, p.Arg165Cys (NM_015127.5); c.340-2036C>T (NM_001278202.2); c.340-3752C>T (NM_001278203.1); short protein forms R118C, R165C, R181C, R215C.
Identifiers: ClinVar variation 1141255 (VCV001141255.11), dbSNP rs144374978, ClinGen allele CA983546.